The following is an entry in ClinVar:

NM_013275.6(ANKRD11):c.2519G>A (p.Arg840Gln)

Gene: ANKRD11 (ankyrin repeat domain 11; minus strand). Cytogenetic location: 16q24.3.
Variant type: single nucleotide variant.
Coding change: c.2519G>A on transcript NM_013275.6 (MANE Select); coding-DNA position 2519, G replaced by A.
Protein change: p.Arg840Gln; replaces arginine 840 with glutamine.
Molecular consequence: missense variant.
Genome position (GRCh38, 1-based): chr16:89,284,023, C>T on the plus strand (G>A on the coding strand, the complement: ANKRD11 is on the minus strand). VCF-style: chr16-89284023-C-T. GRCh37 (hg19) VCF-style: chr16-89350431-C-T.
Other names: c.2519G>A, p.Arg840Gln (NM_001256182.2, NM_001256183.2); c.2519G>A (NM_013275.4); short protein forms R840Q.
Identifiers: ClinVar variation 585404 (VCV000585404.44), dbSNP rs149776253, ClinGen allele CA8242563.

ClinVar aggregate classification (germline): Benign/Likely benign. Review status: criteria provided, multiple submitters, no conflicts (2 of 4 stars). 9 submissions from 9 submitters: Benign (4); Likely benign (4). 1 of the submissions does not count toward it. Last evaluated 2026-07-01.

Conditions:
Inborn genetic diseases. Identifiers: MedGen C0950123, MeSH D030342.
ANKRD11-related disorder. Also called: ANKRD11-related condition.
KBG syndrome (KBGS). Also called: ANKRD11-Related KBG Syndrome. Identifiers: Orphanet 2332, MedGen C0220687, MONDO:0007846, OMIM 148050.

Allele frequency attached by ClinVar (database versions not stated): ExAC 0.00060; TOPMed 0.00062; gnomAD 0.00070; gnomAD exomes 0.00072 and 0.00097; 1000 Genomes Project 0.00020; 1000 Genomes Project 30x 0.00031; ESP Exome Variant Server 0.00046.
gnomAD v4.1: 1,515 of 1,614,120 alleles (0.094%); highest among the groups gnomAD compares: Non-Finnish European, 0.11%; 4 homozygotes.

Submissions (9):

CeGaT Center for Human Genetics Tuebingen
Classification: Likely benign. Last evaluated: 2026-07-01. Review status: criteria provided, single submitter. Criteria: CeGaT Center For Human Genetics Tuebingen Variant Classification Criteria Version 2. Collection method: clinical testing. Allele origin: germline. Affected: yes. Observed: 8 variant alleles.
Comment: ANKRD11: BS1

Labcorp Genetics (formerly Invitae), Labcorp
Classification: Likely benign for KBG syndrome. Last evaluated: 2026-01-05. Review status: criteria provided, single submitter. Criteria: Invitae Variant Classification Sherloc (09022015). Collection method: clinical testing. Allele origin: germline.

Blueprint Genetics
Classification: Likely benign. Last evaluated: 2024-11-13. Review status: criteria provided, single submitter. Criteria: ACMG Guidelines, 2015. Collection method: clinical testing. Allele origin: germline.

Genome-Nilou Lab
Classification: Benign for KBG syndrome. Last evaluated: 2021-12-05. Review status: criteria provided, single submitter. Criteria: ACMG Guidelines, 2015. Collection method: clinical testing. Allele origin: germline. Affected: no.

GeneDx
Classification: Benign. Last evaluated: 2019-12-16. Review status: criteria provided, single submitter. Criteria: GeneDx Variant Classification Process June 2021. Collection method: clinical testing. Allele origin: germline. Affected: yes.

Ambry Genetics
Classification: Likely benign for Inborn genetic diseases. Last evaluated: 2018-12-30. Review status: criteria provided, single submitter. Criteria: Ambry Variant Classification Scheme 2023. Collection method: clinical testing. Allele origin: germline.

Genetic Services Laboratory, University of Chicago
Classification: Benign. Last evaluated: 2018-04-03. Review status: criteria provided, single submitter. Criteria: ACMG Guidelines, 2015. Collection method: clinical testing. Allele origin: germline. Affected: no.

Athena Diagnostics
Classification: Benign. Last evaluated: 2017-12-27. Review status: criteria provided, single submitter. Criteria: Athena Diagnostics Criteria. Collection method: clinical testing. Allele origin: germline.

PreventionGenetics, part of Exact Sciences
Classification: Likely benign for ANKRD11-related condition. Last evaluated: 2019-12-18. Review status: no assertion criteria provided. Collection method: clinical testing. Allele origin: germline. Not counted in ClinVar's aggregate classification.
Comment: This variant is classified as likely benign based on ACMG/AMP sequence variant interpretation guidelines (Richards et al. 2015 PMID: 25741868, with internal and published modifications).